The following is an entry in ClinVar:

ClinVar aggregate classification (germline): Uncertain significance (1 of 4 stars; one submission).

Conditions:
Hypertrophic cardiomyopathy 9. Also called: Familial hypertrophic cardiomyopathy 9. Identifiers: MedGen C1861065, MONDO:0013412, OMIM 613765.
Myopathy, myofibrillar, 9, with early respiratory failure (MFM9). Also called: Hereditary myopathy with early respiratory failure; EDSTROM MYOPATHY; MYOPATHY, PROXIMAL, WITH EARLY RESPIRATORY MUSCLE INVOLVEMENT; Myopathy, distal, with early respiratory failure, autosomal dominant. Identifiers: Orphanet 178464, Orphanet 34521, MedGen C1863599, MONDO:0011362, OMIM 603689.
Early-onset myopathy with fatal cardiomyopathy (CMYO5). Also called: CONGENITAL MYOPATHY 5 WITH CARDIOMYOPATHY; Salih Myopathy. Identifiers: Orphanet 289377, MedGen C2673677, MONDO:0012714, OMIM 611705. Disease mechanism: loss of function.
Autosomal recessive limb-girdle muscular dystrophy type 2J (LGMDR10). Also called: Limb-girdle muscular dystrophy, type 2J; MUSCULAR DYSTROPHY, LIMB-GIRDLE, AUTOSOMAL RECESSIVE 10. Identifiers: Orphanet 140922, MedGen C1837342, MONDO:0012127, OMIM 608807.
Dilated cardiomyopathy 1G (CMD1G). Identifiers: Orphanet 154, MedGen C1858763, MONDO:0011400, OMIM 604145.
Tibial muscular dystrophy (TMD). Also called: UDD MYOPATHY; Udd Distal Myopathy – Tibial Muscular Dystrophy; Tibial muscular dystrophy, tardive. Identifiers: Orphanet 609, MedGen C1838244, MONDO:0010870, OMIM 600334.

Submission:

Juno Genomics, Hangzhou Juno Genomics, Inc
Classification: Uncertain significance for Tibial muscular dystrophy; Early-onset myopathy with fatal cardiomyopathy; Dilated cardiomyopathy 1G; Hypertrophic cardiomyopathy 9; Autosomal recessive limb-girdle muscular dystrophy type 2J; Myopathy, myofibrillar, 9, with early respiratory failure. Review status: criteria provided, single submitter. Criteria: ACMG Guidelines, 2015. Collection method: clinical testing. Allele origin: germline.
Comment: Absent from controls (or at extremely low frequency if recessive) in Genome Aggregation Database.;Protein length changes due to in-frame deletions/insertions in a non-repeat region or stop-loss variants.

NM_001267550.2(TTN):c.9308_9310del (p.Ile3103del)

Gene: TTN (titin; minus strand). Cytogenetic location: 2q31.2.
Variant type: Deletion.
Coding change: c.9308_9310del on transcript NM_001267550.2 (MANE Select); coding-DNA positions 9308 to 9310, 3 bases deleted (TAA; older notation c.9308_9310delTAA).
Protein change: p.Ile3103del; deletes isoleucine 3103.
Molecular consequence: inframe deletion.
Genome position (GRCh38, 1-based): chr2:178,767,920-178,767,922, TTA deleted on the plus strand (TAA on the coding strand, the reverse complement: TTN is on the minus strand); deleting any 3 consecutive bases within chr2:178,767,920-178,767,924 gives the same sequence; the c. name uses the placement nearest the transcript's 3' end. VCF-style (leftmost placement, unchanged base first): chr2-178767919-TTTA-T. GRCh37 (hg19) VCF-style: chr2-179632646-TTTA-T.
Other names: c.9308_9310del, p.Ile3103del (NM_001256850.1, NM_133378.4, NM_133379.5); c.9170_9172del, p.Ile3057del (NM_003319.4, NM_133432.3, NM_133437.4); short protein forms I3057del, I3103del.
Identifiers: ClinVar variation 5006164 (VCV005006164.2).
Genomic context (GRCh38, chr2:178,767,919, plus strand): 5'-GCATCAGACATCCGGGTGGATGGGATCAGAAGGCGGTGGACATATTTCTCCTTCTGAATC[TTTA>T]TTCTATGGATGAAATGGAAATTCGAGTTTACCGTATGGTGATTCAGAGGAAACTGGGAAT-3'